The following is an entry in ClinVar:

ClinVar aggregate classification (germline): Benign. Review status: criteria provided, multiple submitters, no conflicts (2 of 4 stars). 2 submissions from 2 submitters: Benign (2). Last evaluated 2018-06-14.

Allele frequency attached by ClinVar (database versions not stated): 1000 Genomes Project 0.02396; 1000 Genomes Project 30x 0.02577; TOPMed 0.05029; gnomAD 0.05259 and 0.05391.

Submissions (2):

GeneDx
Classification: Benign. Last evaluated: 2018-06-14. Review status: criteria provided, single submitter. Criteria: GeneDx Variant Classification (06012015). Collection method: clinical testing. Allele origin: germline. Affected: yes.
Comment: This variant is considered likely benign or benign based on one or more of the following criteria: it is a conservative change, it occurs at a poorly conserved position in the protein, it is predicted to be benign by multiple in silico algorithms, and/or has population frequency not consistent with disease.

Breakthrough Genomics
Classification: Benign. Review status: criteria provided, single submitter. Criteria: ACMG Guidelines, 2015. Collection method: not provided. Allele origin: germline. Inheritance: Autosomal recessive inheritance. Affected: yes.

NM_033109.5(PNPT1):c.161+135A>G

Gene: PNPT1 (polyribonucleotide nucleotidyltransferase 1; minus strand). Cytogenetic location: 2p16.1.
Variant type: single nucleotide variant.
Coding change: c.161+135A>G on transcript NM_033109.5 (MANE Select); 135 bases into the intron after coding-DNA position 161, A replaced by G.
Molecular consequence: intron variant.
Genome position (GRCh38, 1-based): chr2:55,693,528, T>C on the plus strand (A>G on the coding strand, the complement: PNPT1 is on the minus strand). VCF-style: chr2-55693528-T-C. GRCh37 (hg19) VCF-style: chr2-55920663-T-C.
Identifiers: ClinVar variation 676280 (VCV000676280.2), dbSNP rs62165235, ClinGen allele CA47667701.
Genomic context (GRCh38, chr2:55,693,528, plus strand): 5'-AACGACATAGCGCGGGAAGGAGGGTCCGAGGAGACACATTCCAAACCCGGAAAGGGAAAT[T>C]TGGAATTTAGGTTTAGGGTAAGGAGAGATTAAATAGAGCTGGGATACCGGGTTTCTACCC-3'